The following is an entry in ClinVar:

ClinVar aggregate classification (germline): Pathogenic (1 of 4 stars; one submission).

Conditions:
Hypohidrotic X-linked ectodermal dysplasia (XHED). Also called: Ectodermal Dysplasia 1, Anhidrotic; Christ-Siemans-Touraine syndrome; ECTODERMAL DYSPLASIA 1, HYPOHIDROTIC/HAIR/TOOTH TYPE, X-LINKED; Anhidrotic ectodermal dysplasia X-linked; Christ Siemens Touraine syndrome; ECTODERMAL DYSPLASIA 1, HYPOHIDROTIC, X-LINKED. Identifiers: Orphanet 181, Orphanet 238468, MedGen C0162359, MONDO:0010585, OMIM 305100.

Submission:

Labcorp Genetics (formerly Invitae), Labcorp
Classification: Pathogenic for Hypohidrotic X-linked ectodermal dysplasia. Last evaluated: 2019-07-01. Review status: criteria provided, single submitter. Criteria: Invitae Variant Classification Sherloc (09022015). Collection method: clinical testing. Allele origin: germline.
Comment: For these reasons, this variant has been classified as Pathogenic. Loss-of-function variants in EDA are known to be pathogenic (PMID: 9683615). This variant has not been reported in the literature in individuals with EDA-related conditions. This variant is a gross deletion of the genomic region encompassing part of exon 1 (c.-36_47del) of the EDA gene, which includes the initiator codon. This is expected to result in an absent or disrupted protein product.

Literature cited by the submitters: PubMed 9683615.

NM_001399.5(EDA):c.-36_47del (p.Met1fs)

Gene: EDA (ectodysplasin A; plus strand). Cytogenetic location: Xq13.1.
Variant type: Deletion.
Coding change: c.-36_47del on transcript NM_001399.5 (MANE Select); 36 bases upstream of the start codon through coding-DNA position 47, 83 bases deleted.
Protein change: p.Met1fs; shifts the reading frame from methionine 1.
Molecular consequence: frameshift variant, initiator codon variant.
Genome position (GRCh38, 1-based): chrX:69,616,273-69,616,355, 83 bases deleted. GRCh37 (hg19): chrX:68,836,117-68,836,199.
Other names: c.-36_47del, p.Met1fs (NM_001005609.2, NM_001005610.4, NM_001005612.3 and 1 more transcripts); short protein forms M1fs.
Identifiers: ClinVar variation 943023 (VCV000943023.8), dbSNP rs1931920527, ClinGen allele CA1139667613.